The following is an entry in ClinVar:

NM_005732.4(RAD50):c.2979_2980del (p.His993fs)

Gene: RAD50 (RAD50 double strand break repair protein; plus strand). Cytogenetic location: 5q31.1.
Variant type: Microsatellite.
Coding change: c.2979_2980del on transcript NM_005732.4 (MANE Select); coding-DNA positions 2979 to 2980, 2 bases deleted (CA; older notation c.2979_2980delCA).
Protein change: p.His993fs; shifts the reading frame from histidine 993.
Molecular consequence: frameshift variant.
Genome position (GRCh38, 1-based): chr5:132,609,339-132,609,340, CA deleted; deleting any 2 consecutive bases within chr5:132,609,336-132,609,340 gives the same sequence; the c. name uses the placement nearest the transcript's 3' end. VCF-style (leftmost placement, unchanged base first): chr5-132609335-AAC-A. GRCh37 (hg19) VCF-style: chr5-131945027-AAC-A.
Other names: short protein forms H993fs.
Identifiers: ClinVar variation 4754560 (VCV004754560.3).
Genomic context (GRCh38, chr5:132,609,335, plus strand): 5'-TTTTGTAGCAAAAAGAAACTGAACTTAATAAAGTAATAGCTCAACTAAGTGAATGCGAGA[AAC>A]ACAAAGAAAAGATAAATGAAGATATGAGACTCATGAGACAAGATATTGATACACAGAAGG-3'

ClinVar aggregate classification (germline): Pathogenic/Likely pathogenic. Review status: criteria provided, multiple submitters, no conflicts (2 of 4 stars). 2 submissions from 2 submitters: Pathogenic (1); Likely pathogenic (1). Last evaluated 2025-08-06.

Conditions:
Nijmegen breakage syndrome-like disorder (NBSLD). Also called: MICROCEPHALY AND SPONTANEOUS CHROMOSOME INSTABILITY WITHOUT IMMUNODEFICIENCY; NBS-LIKE DISORDER; RAD50 DEFICIENCY. Identifiers: Orphanet 240760, MedGen C2751318, MONDO:0013118, OMIM 613078.
Hereditary cancer-predisposing syndrome. Also called: Neoplastic Syndromes, Hereditary; Hereditary neoplastic syndrome; Tumor predisposition; Hereditary Cancer Syndrome. Identifiers: Orphanet 140162, MedGen C0027672, MeSH D009386, MONDO:0015356.

Submissions (2):

Labcorp Genetics (formerly Invitae), Labcorp
Classification: Pathogenic for Hereditary cancer-predisposing syndrome. Last evaluated: 2025-08-06. Review status: criteria provided, single submitter. Criteria: Invitae Variant Classification Sherloc (09022015). Collection method: clinical testing. Allele origin: germline.
Comment: This sequence change creates a premature translational stop signal (p.His993Glnfs*6) in the RAD50 gene. It is expected to result in an absent or disrupted protein product. Loss-of-function variants in RAD50 are known to be pathogenic (PMID: 19409520). This variant is present in population databases (rs767281258, gnomAD 0.0009%). This variant has not been reported in the literature in individuals affected with RAD50-related conditions. For these reasons, this variant has been classified as Pathogenic.

Juno Genomics, Hangzhou Juno Genomics, Inc
Classification: Likely pathogenic for Nijmegen breakage syndrome-like disorder. Review status: criteria provided, single submitter. Criteria: ACMG Guidelines, 2015. Collection method: clinical testing. Allele origin: germline.
Comment: Absent from controls (or at extremely low frequency if recessive) in Genome Aggregation Database.;Null variant in a gene where loss of function (LOF) is a known mechanism of disease.

Literature cited by the submitters: PubMed 19409520 (cited by Labcorp Genetics (formerly Invitae), Labcorp).